The following is an entry in ClinVar:

ClinVar aggregate classification (germline): Uncertain significance (1 of 4 stars; one submission).

Submission:

Labcorp Genetics (formerly Invitae), Labcorp
Classification: Uncertain significance. Last evaluated: 2025-07-06. Review status: criteria provided, single submitter. Criteria: Invitae Variant Classification Sherloc (09022015). Collection method: clinical testing. Allele origin: germline.
Comment: This sequence change replaces serine, which is neutral and polar, with asparagine, which is neutral and polar, at codon 1271 of the COL2A1 protein (p.Ser1271Asn). This variant is not present in population databases (gnomAD no frequency). This variant has not been reported in the literature in individuals affected with COL2A1-related conditions. Invitae Evidence Modeling of protein sequence and biophysical properties (such as structural, functional, and spatial information, amino acid conservation, physicochemical variation, residue mobility, and thermodynamic stability) indicates that this missense variant is not expected to disrupt COL2A1 protein function with a negative predictive value of 95%. In summary, the available evidence is currently insufficient to determine the role of this variant in disease. Therefore, it has been classified as a Variant of Uncertain Significance.

NM_001844.5(COL2A1):c.3812G>A (p.Ser1271Asn)

Gene: COL2A1 (collagen type II alpha 1 chain; minus strand). Cytogenetic location: 12q13.11.
Variant type: single nucleotide variant.
Coding change: c.3812G>A on transcript NM_001844.5 (MANE Select); coding-DNA position 3812, G replaced by A.
Protein change: p.Ser1271Asn; replaces serine 1271 with asparagine.
Molecular consequence: missense variant.
Genome position (GRCh38, 1-based): chr12:47,975,391, C>T on the plus strand (G>A on the coding strand, the complement: COL2A1 is on the minus strand). VCF-style: chr12-47975391-C-T. GRCh37 (hg19) VCF-style: chr12-48369174-C-T.
Other names: c.3605G>A, p.Ser1202Asn (NM_033150.3); short protein forms S1202N, S1271N.
Identifiers: ClinVar variation 4804229 (VCV004804229.1).
Genomic context (GRCh38, chr12:47,975,391, plus strand): 5'-GGGTGGCAGAGTTTCAGGTCTCTGCAGGTGCGAGCAGGGTTCTTGCGGGAGCCCTCGGGG[C>T]TGCGGATGCTCTCAATCTGGTTGTTGAGGGACTTGAGTGTGGCATCCACCTCGGCGTCAT-3'
Protein context (NP_001835.3, residues 1261-1281): SLNNQIESIR[Ser1271Asn]PEGSRKNPAR